The following is an entry in ClinVar:

ClinVar aggregate classification (germline): Uncertain significance (1 of 4 stars; one submission).

Submission:

Labcorp Genetics (formerly Invitae), Labcorp
Classification: Uncertain significance. Last evaluated: 2022-03-22. Review status: criteria provided, single submitter. Criteria: Invitae Variant Classification Sherloc (09022015). Collection method: clinical testing. Allele origin: germline.
Comment: This sequence change replaces glutamic acid, which is acidic and polar, with aspartic acid, which is acidic and polar, at codon 3614 of the USH2A protein (p.Glu3614Asp). This variant is not present in population databases (gnomAD no frequency). This variant has not been reported in the literature in individuals affected with USH2A-related conditions. Algorithms developed to predict the effect of missense changes on protein structure and function (SIFT, PolyPhen-2, Align-GVGD) all suggest that this variant is likely to be tolerated. In summary, the available evidence is currently insufficient to determine the role of this variant in disease. Therefore, it has been classified as a Variant of Uncertain Significance.

NM_206933.4(USH2A):c.10842G>T (p.Glu3614Asp)

Gene: USH2A (usherin; minus strand). Cytogenetic location: 1q41.
Variant type: single nucleotide variant.
Coding change: c.10842G>T on transcript NM_206933.4 (MANE Select); coding-DNA position 10842, G replaced by T.
Protein change: p.Glu3614Asp; replaces glutamic acid 3614 with aspartic acid.
Molecular consequence: missense variant.
Genome position (GRCh38, 1-based): chr1:215,779,940, C>A on the plus strand (G>T on the coding strand, the complement: USH2A is on the minus strand). VCF-style: chr1-215779940-C-A. GRCh37 (hg19) VCF-style: chr1-215953282-C-A.
Other names: short protein forms E3614D.
Identifiers: ClinVar variation 2115731 (VCV002115731.4), dbSNP rs2464383452, ClinGen allele CA344833859.